The following is an entry in ClinVar:

NM_000307.5(POU3F4):c.683C>A (p.Ser228Ter)

Gene: POU3F4 (POU class 3 homeobox 4; plus strand). Cytogenetic location: Xq21.1.
Variant type: single nucleotide variant.
Coding change: c.683C>A on transcript NM_000307.5 (MANE Select); coding-DNA position 683, C replaced by A.
Protein change: p.Ser228Ter; replaces serine 228 with a stop codon.
Molecular consequence: nonsense.
Genome position (GRCh38, 1-based): chrX:83,509,007, C>A. VCF-style: chrX-83509007-C-A. GRCh37 (hg19) VCF-style: chrX-82764015-C-A.
Other names: short protein forms S228*.
Identifiers: ClinVar variation 3601670 (VCV003601670.1).

ClinVar aggregate classification (germline): Pathogenic (1 of 4 stars; one submission).

Conditions:
X-linked mixed hearing loss with perilymphatic gusher. Also called: Deafness, X-linked 2; NANCE DEAFNESS; PERILYMPHATIC GUSHER-DEAFNESS SYNDROME; SENSORINEURAL DEAFNESS, PROFOUND, WITH OR WITHOUT A CONDUCTIVE COMPONENT, ASSOCIATED WITH A UNIQUE DEVELOPMENTAL ABNORMALITY OF THE EAR; Gusher syndrome. Identifiers: Orphanet 383, MedGen C1844678, MONDO:0010576, OMIM 304400.

Submission:

Institute of Rare Diseases, West China Hospital, Sichuan University
Classification: Pathogenic for X-linked mixed hearing loss with perilymphatic gusher. Last evaluated: 2025-01-09. Review status: criteria provided, single submitter. Criteria: ClinGen HL ACMG Specifications v1. Collection method: research. Allele origin: germline. Affected: yes.
Comment: PM1;PVS1;PM3;PP1;PP4;PM2_Supporting